The following is an entry in ClinVar:

NM_000551.4(VHL):c.407T>C (p.Phe136Ser)

Genes: VHL (von Hippel-Lindau tumor suppressor; plus strand), LOC107303340 (3p25 von Hippel-Lindau tumor suppressor, E3 ubiquitin protein ligase Alu-mediated recombination region; plus strand). Cytogenetic location: 3p25.3.
Variant type: single nucleotide variant.
Coding change: c.407T>C on transcript NM_000551.4 (MANE Select); coding-DNA position 407, T replaced by C.
Protein change: p.Phe136Ser; replaces phenylalanine 136 with serine.
Molecular consequence: missense variant. On other transcripts: intron variant (2).
Genome position (GRCh38, 1-based): chr3:10,146,580, T>C. VCF-style: chr3-10146580-T-C. GRCh37 (hg19) VCF-style: chr3-10188264-T-C.
Other names: c.*18-3207T>C (NM_001354723.2); c.341-3207T>C (NM_198156.3); short protein forms F136S.
Identifiers: ClinVar variation 496064 (VCV000496064.8), dbSNP rs5030833, ClinGen allele CA040847.

ClinVar aggregate classification (germline): Pathogenic/Likely pathogenic. Review status: criteria provided, multiple submitters, no conflicts (2 of 4 stars). 5 submissions from 5 submitters: Pathogenic (3); Likely pathogenic (2). Last evaluated 2023-07-19.

Conditions:
Chuvash polycythemia. Also called: POLYCYTHEMIA, VHL-DEPENDENT. Identifiers: Orphanet 238557, MedGen C1837915, MONDO:0009892, OMIM 263400.
Von Hippel-Lindau syndrome (VHLS). Also called: VHL syndrome; Von Hippel-Lindau; von Hippel–Lindau syndrome. Identifiers: Orphanet 892, MedGen C0019562, MONDO:0008667, OMIM 193300. Disease mechanism: loss of function.

Allele frequency attached by ClinVar (database versions not stated): gnomAD exomes below 0.00001; ExAC 0.00001.

Submissions (5):

All of Us Research Program, National Institutes of Health
Classification: Likely pathogenic for Von Hippel-Lindau syndrome. Last evaluated: 2023-07-19. Review status: criteria provided, single submitter. Criteria: ACMG Guidelines, 2015. Collection method: clinical testing. Allele origin: germline. Inheritance: Autosomal dominant inheritance. Observed: 1 variant allele, 1 heterozygote.
Comment: This missense variant replaces phenylalanine with serine at codon 136 of the VHL protein. This variant is also known as 620T>C and p.Phe207Ser in the literature. Computational prediction suggests that this variant may have deleterious impact on protein structure and function (internally defined REVEL score threshold >= 0.7, PMID: 27666373). A functional study has reported that this variant does not impact VHL function in microtubule stabilization (PMID: 12510195). This variant has been reported in multiple individuals and families affected with von Hippel-Lindau disease and/or related cancer (PMID: 7987306, 8956040, 9829912, 10567493, 12624160, 15300849, 17906660, 18580449, 20151405, 22799452, 23968328, 29294023). This variant has been identified in 1/251496 chromosomes in the general population by the Genome Aggregation Database (gnomAD). Based on the available evidence, this variant is classified as Likely Pathogenic.

This study involves interpretation of variants in research participants for the purpose of population health screening. Participant phenotype was not available at the time of variant classification. Additional details can be found in publication PMID: 35346344, PMCID: PMC8962531

Labcorp Genetics (formerly Invitae), Labcorp
Classification: Pathogenic for Von Hippel-Lindau syndrome; Chuvash polycythemia. Last evaluated: 2022-11-02. Review status: criteria provided, single submitter. Criteria: Invitae Variant Classification Sherloc (09022015). Collection method: clinical testing. Allele origin: germline.
Comment: Experimental studies have shown that this missense change does not substantially affect VHL function (PMID: 12510195). For these reasons, this variant has been classified as Pathogenic. Advanced modeling of protein sequence and biophysical properties (such as structural, functional, and spatial information, amino acid conservation, physicochemical variation, residue mobility, and thermodynamic stability) performed at Invitae indicates that this missense variant is expected to disrupt VHL protein function. ClinVar contains an entry for this variant (Variation ID: 496064). This variant is also known as T->C 207 PHE->SER. This missense change has been observed in individuals with von Hippel-Lindau syndrome (PMID: 7987306, 12202531, 12624160, 15300849, 17024664, 34122352). This variant is not present in population databases (gnomAD no frequency). This sequence change replaces phenylalanine, which is neutral and non-polar, with serine, which is neutral and polar, at codon 136 of the VHL protein (p.Phe136Ser).

Women's Health and Genetics/Laboratory Corporation of America, LabCorp
Classification: Pathogenic for Von Hippel-Lindau syndrome. Last evaluated: 2019-09-12. Review status: criteria provided, single submitter. Criteria: LabCorp Variant Classification Summary - May 2015. Collection method: clinical testing. Allele origin: germline.
Comment: Variant summary: VHL c.407T>C (p.Phe136Ser) results in a non-conservative amino acid change located in the von Hippel-Lindau disease tumour suppressor, beta domain (IPR024053) of the encoded protein sequence. Four of five in-silico tools predict a damaging effect of the variant on protein function. The variant allele was found at a frequency of 4e-06 in 251496 control chromosomes. c.407T>C has been reported in the literature in multiple individuals affected with Von Hippel-Lindau Syndrome (eg- Crossey_1994, Zbar_1996, Gallou_2004). These data indicate that the variant is very likely to be associated with disease. To our knowledge, no experimental evidence demonstrating an impact on protein function has been reported. Two other clinical diagnostic laboratories have submitted clinical-significance assessments for this variant to ClinVar (evaluation after 2014) and cited the variant as pathogenic/likely pathogenic. Based on the evidence outlined above, the variant was classified as pathogenic.

Genomic Diagnostic Laboratory, Division of Genomic Diagnostics, Children's Hospital of Philadelphia
Classification: Likely pathogenic for von Hippel-Lindau syndrome. Last evaluated: 2018-08-01. Review status: criteria provided, single submitter. Criteria: DGD Variant Analysis Guidelines. Collection method: clinical testing. Allele origin: germline. Affected: yes. Observed: 3 variant alleles.

PreventionGenetics, part of Exact Sciences
Classification: Pathogenic. Last evaluated: 2016-11-17. Review status: criteria provided, single submitter. Criteria: ACMG Guidelines, 2015. Collection method: clinical testing. Allele origin: germline.

Literature cited by the submitters: PubMed 7987306 (cited by 3 submitters); PubMed 8956040 (cited by All of Us Research Program, National Institutes of Health and Women's Health and Genetics/Laboratory Corporation of America, LabCorp); PubMed 9829912 (cited by All of Us Research Program, National Institutes of Health and Women's Health and Genetics/Laboratory Corporation of America, LabCorp); PubMed 10567493 (cited by All of Us Research Program, National Institutes of Health and Women's Health and Genetics/Laboratory Corporation of America, LabCorp); PubMed 12510195 (cited by All of Us Research Program, National Institutes of Health and Labcorp Genetics (formerly Invitae), Labcorp); PubMed 12624160 (cited by 3 submitters); PubMed 15300849 (cited by 3 submitters); PubMed 17906660 (cited by All of Us Research Program, National Institutes of Health); PubMed 18580449 (cited by All of Us Research Program, National Institutes of Health and Women's Health and Genetics/Laboratory Corporation of America, LabCorp); PubMed 20151405 (cited by All of Us Research Program, National Institutes of Health); PubMed 22799452 (cited by All of Us Research Program, National Institutes of Health); PubMed 23968328 (cited by All of Us Research Program, National Institutes of Health); PubMed 29294023 (cited by All of Us Research Program, National Institutes of Health); PubMed 12202531 (cited by Labcorp Genetics (formerly Invitae), Labcorp); PubMed 17024664 (cited by Labcorp Genetics (formerly Invitae), Labcorp); PubMed 34122352 (cited by Labcorp Genetics (formerly Invitae), Labcorp).